The following is an entry in ClinVar:

NM_003719.5(PDE8B):c.169C>G (p.Arg57Gly)

Gene: PDE8B (phosphodiesterase 8B; plus strand). Cytogenetic location: 5q13.3.
Variant type: single nucleotide variant.
Coding change: c.169C>G on transcript NM_003719.5 (MANE Select); coding-DNA position 169, C replaced by G.
Protein change: p.Arg57Gly; replaces arginine 57 with glycine.
Molecular consequence: missense variant. On other transcripts: 5 prime UTR variant (1), intron variant (13).
Genome position (GRCh38, 1-based): chr5:77,211,094, C>G. VCF-style: chr5-77211094-C-G. GRCh37 (hg19) VCF-style: chr5-76506919-C-G.
Other names: c.169C>G, p.Arg57Gly (NM_001029851.4, NM_001029852.4, NM_001029853.4 and 7 more transcripts); c.-201C>G (NM_001349753.2); c.36+30608C>G (NM_001349750.3, NM_001376069.1, NM_001376062.1 and 7 more transcripts); c.-34+1048C>G (NM_001376067.1, NM_001376075.1); c.-31+1048C>G (NM_001376068.1); short protein forms R57G.
Identifiers: ClinVar variation 2216252 (VCV002216252.4), dbSNP rs775097972, ClinGen allele CA3314824.

ClinVar aggregate classification (germline): Uncertain significance. Review status: criteria provided, multiple submitters, no conflicts (2 of 4 stars). 2 submissions from 2 submitters: Uncertain significance (2). Last evaluated 2025-12-03.

Conditions:
Inborn genetic diseases. Identifiers: MedGen C0950123, MeSH D030342.

gnomAD v4.1: 43 of 1,493,100 alleles (0.0029%); highest among the groups gnomAD compares: Non-Finnish European, 0.0033%; no homozygotes.

Submissions (2):

Labcorp Genetics (formerly Invitae), Labcorp
Classification: Uncertain significance. Last evaluated: 2025-12-03. Review status: criteria provided, single submitter. Criteria: Invitae Variant Classification Sherloc (09022015). Collection method: clinical testing. Allele origin: germline.
Comment: This sequence change replaces arginine, which is basic and polar, with glycine, which is neutral and non-polar, at codon 57 of the PDE8B protein (p.Arg57Gly). This variant is present in population databases (rs775097972, gnomAD 0.01%). This variant has not been reported in the literature in individuals affected with PDE8B-related conditions. ClinVar contains an entry for this variant (Variation ID: 2216252). An algorithm developed to predict the effect of missense changes on protein structure and function (PolyPhen-2) suggests that this variant is likely to be tolerated. In summary, the available evidence is currently insufficient to determine the role of this variant in disease. Therefore, it has been classified as a Variant of Uncertain Significance.

Ambry Genetics
Classification: Uncertain significance for Inborn genetic diseases. Last evaluated: 2025-02-08. Review status: criteria provided, single submitter. Criteria: Ambry Variant Classification Scheme 2023. Collection method: clinical testing. Allele origin: germline.